The following is an entry in ClinVar:

NM_024675.4(PALB2):c.3024C>G (p.Pro1008=)

Gene: PALB2 (partner and localizer of BRCA2; minus strand). Cytogenetic location: 16p12.2.
Variant type: single nucleotide variant.
Coding change: c.3024C>G on transcript NM_024675.4 (MANE Select); coding-DNA position 3024, C replaced by G.
Protein change: p.Pro1008=; no amino-acid change (proline 1008 retained).
Molecular consequence: synonymous variant.
Genome position (GRCh38, 1-based): chr16:23,621,451, G>C on the plus strand (C>G on the coding strand, the complement: PALB2 is on the minus strand). VCF-style: chr16-23621451-G-C. GRCh37 (hg19) VCF-style: chr16-23632772-G-C.
Other names: c.3024C>G (NM_024675.3).
Identifiers: ClinVar variation 1102595 (VCV001102595.12), dbSNP rs180177130, ClinGen allele CA494180187.

ClinVar aggregate classification (germline): Benign/Likely benign. Review status: criteria provided, multiple submitters, no conflicts (2 of 4 stars). 3 submissions from 3 submitters: Benign (1); Likely benign (2). Last evaluated 2025-03-28.

Conditions:
Familial cancer of breast. Also called: BREAST CANCER, FAMILIAL; Hereditary breast cancer; hereditary breast carcinoma. Identifiers: Orphanet 227535, MedGen C0346153, MONDO:0016419, OMIM 114480. Disease mechanism: loss of function.
Hereditary cancer-predisposing syndrome. Also called: Tumor predisposition; Neoplastic Syndromes, Hereditary; Hereditary Cancer Syndrome; Hereditary neoplastic syndrome. Identifiers: Orphanet 140162, MedGen C0027672, MeSH D009386, MONDO:0015356.

Submissions (3):

Ambry Genetics
Classification: Likely benign for Hereditary cancer-predisposing syndrome. Last evaluated: 2025-03-28. Review status: criteria provided, single submitter. Criteria: Ambry Variant Classification Scheme 2023. Collection method: clinical testing. Allele origin: germline.

Myriad Genetics, Inc.
Classification: Benign for Familial cancer of breast. Last evaluated: 2025-01-21. Review status: criteria provided, single submitter. Criteria: Myriad Autosomal Dominant, Autosomal Recessive and X-Linked Classification Criteria (2023). Collection method: clinical testing. Allele origin: unknown.
Comment: This variant is considered benign. This variant is a silent/synonymous amino acid change and it is not expected to impact splicing.

Labcorp Genetics (formerly Invitae), Labcorp
Classification: Likely benign for Familial cancer of breast. Last evaluated: 2020-11-14. Review status: criteria provided, single submitter. Criteria: Invitae Variant Classification Sherloc (09022015). Collection method: clinical testing. Allele origin: germline.